The following is an entry in ClinVar:

NM_198253.3(TERT):c.2626C>A (p.His876Asn)

Gene: TERT (telomerase reverse transcriptase; minus strand). Cytogenetic location: 5p15.33.
Variant type: single nucleotide variant.
Coding change: c.2626C>A on transcript NM_198253.3 (MANE Select); coding-DNA position 2626, C replaced by A.
Protein change: p.His876Asn; replaces histidine 876 with asparagine.
Molecular consequence: missense variant. On other transcripts: non-coding transcript variant (2).
Genome position (GRCh38, 1-based): chr5:1,266,492, G>T on the plus strand (C>A on the coding strand, the complement: TERT is on the minus strand). VCF-style: chr5-1266492-G-T. GRCh37 (hg19) VCF-style: chr5-1266607-G-T.
Other names: c.2626C>A, p.His876Asn (NM_001193376.3); short protein forms H876N.
Identifiers: ClinVar variation 904812 (VCV000904812.15), dbSNP rs1483412488, ClinGen allele CA359073190.

ClinVar aggregate classification (germline): Uncertain significance. Review status: criteria provided, multiple submitters, no conflicts (2 of 4 stars). 7 submissions from 5 submitters: Uncertain significance (7). Last evaluated 2025-03-03.

Conditions:
Dyskeratosis congenita, autosomal dominant 2. Identifiers: MedGen C3151443, MONDO:0013521, OMIM 613989.
Aplastic anemia. Identifiers: Orphanet 182040, Orphanet 88, MedGen C0002874, MONDO:0015909, OMIM 609135, HP:0001915.
Idiopathic Pulmonary Fibrosis. Also called: Idiopathic fibrosing alveolitis, chronic form; idiopathic fibrosing alveolitis. Identifiers: Orphanet 2032, MedGen C1800706, MeSH D054990, MONDO:0800504.
Dyskeratosis congenita. Identifiers: Orphanet 1775, MedGen C0265965, MONDO:0015780.
Pulmonary fibrosis and/or bone marrow failure, Telomere-related, 1. Also called: PULMONARY FIBROSIS AND/OR BONE MARROW FAILURE SYNDROME, TELOMERE-RELATED, 1. Identifiers: Orphanet 88, MedGen C3553617, MONDO:0013878, OMIM 614742.
Acute myeloid leukemia (AML). Also called: Acute myeloid leukemia, adult; AML adult; Acute non-lymphocytic leukemia; Acute granulocytic leukemia; Leukemia, acute myeloid, somatic; Leukemia, acute myelogenous, somatic. Identifiers: Orphanet 519, MedGen C0023467, MeSH D015470, MONDO:0018874, OMIM 601626, HP:0004808. Disease mechanism: Constitutively activated FLT3.

Allele frequency attached by ClinVar (database versions not stated): gnomAD exomes below 0.00001.
gnomAD v4.1: 1 of 1,610,586 alleles (0.000062%); highest among the groups gnomAD compares: Admixed American, 0.0017%; no homozygotes.

Submissions (7):

Ambry Genetics
Classification: Uncertain significance for Dyskeratosis congenita. Last evaluated: 2025-03-03. Review status: criteria provided, single submitter. Criteria: Ambry Variant Classification Scheme 2023. Collection method: clinical testing. Allele origin: germline.
Comment: The p.H876N variant (also known as c.2626C>A), located in coding exon 10 of the TERT gene, results from a C to A substitution at nucleotide position 2626. The histidine at codon 876 is replaced by asparagine, an amino acid with similar properties. This amino acid position is conserved. In addition, the in silico prediction for this alteration is inconclusive. Based on the available evidence, the clinical significance of this variant remains unclear.

3billion
Classification: Uncertain significance for Acute myeloid leukemia. Last evaluated: 2024-08-30. Review status: criteria provided, single submitter. Criteria: ACMG Guidelines, 2015. Collection method: clinical testing. Allele origin: germline. Affected: yes.
Comment: The variant is observed at an extremely low frequency in the gnomAD v4.0.0 dataset (total allele frequency: <0.001%). Predicted Consequence/Location: Missense changes are a common disease-causing mechanism. In silico tool predictions suggest damaging effect of the variant on gene or gene product [REVEL: 0.61 (>=0.6, sensitivity 0.68 and specificity 0.92)]. A different missense change at the same codon (p.His876Gln) has been reported to be associated with TERT related disorder (PMID: 18042801). Therefore, this variant is classified as VUS according to the recommendation of ACMG/AMP guideline.

Labcorp Genetics (formerly Invitae), Labcorp
Classification: Uncertain significance for Dyskeratosis congenita, autosomal dominant 2; Idiopathic Pulmonary Fibrosis. Last evaluated: 2024-03-21. Review status: criteria provided, single submitter. Criteria: Invitae Variant Classification Sherloc (09022015). Collection method: clinical testing. Allele origin: germline.
Comment: This sequence change replaces histidine, which is basic and polar, with asparagine, which is neutral and polar, at codon 876 of the TERT protein (p.His876Asn). The frequency data for this variant in the population databases is considered unreliable, as metrics indicate poor data quality at this position in the gnomAD database. This variant has not been reported in the literature in individuals affected with TERT-related conditions. ClinVar contains an entry for this variant (Variation ID: 904812). Advanced modeling of protein sequence and biophysical properties (such as structural, functional, and spatial information, amino acid conservation, physicochemical variation, residue mobility, and thermodynamic stability) performed at Invitae indicates that this missense variant is expected to disrupt TERT protein function with a positive predictive value of 95%. In summary, the available evidence is currently insufficient to determine the role of this variant in disease. Therefore, it has been classified as a Variant of Uncertain Significance.

Baylor Genetics
Classification: Uncertain significance for Dyskeratosis congenita, autosomal dominant 2. Last evaluated: 2023-06-02. Review status: criteria provided, single submitter. Criteria: ACMG Guidelines, 2015. Collection method: clinical testing. Allele origin: unknown.

Illumina Laboratory Services, Illumina
Classification: Uncertain significance for Dyskeratosis congenita, autosomal dominant 2. Last evaluated: 2018-01-12. Review status: criteria provided, single submitter. Criteria: ICSL Variant Classification Criteria 13 December 2019. Collection method: clinical testing. Allele origin: germline.

Illumina Laboratory Services, Illumina
Classification: Uncertain significance for Pulmonary fibrosis and/or bone marrow failure, Telomere-related, 1. Last evaluated: 2018-01-12. Review status: criteria provided, single submitter. Criteria: ICSL Variant Classification Criteria 13 December 2019. Collection method: clinical testing. Allele origin: germline.

Illumina Laboratory Services, Illumina
Classification: Uncertain significance for Aplastic anemia. Last evaluated: 2018-01-12. Review status: criteria provided, single submitter. Criteria: ICSL Variant Classification Criteria 13 December 2019. Collection method: clinical testing. Allele origin: germline.

Literature cited by the submitters: PubMed 18042801 (cited by 3billion).